The following is an entry in ClinVar:

ClinVar aggregate classification (germline): Benign. Review status: criteria provided, multiple submitters, no conflicts (2 of 4 stars). 3 submissions from 3 submitters: Benign (2). 1 of the submissions does not count toward it. Last evaluated 2019-12-31.

Conditions:
KIF21A-related disorder. Also called: KIF21A-related condition.
Congenital fibrosis of extraocular muscles type 1. Also called: CFEOM3B; BLEPHAROPTOSIS WITH ABSENT EYE MOVEMENTS; OPHTHALMOPLEGIA, CONGENITAL; FEOM1 LOCUS. Identifiers: MedGen C1851102, MONDO:0021083, OMIM 135700.

Allele frequency attached by ClinVar (database versions not stated): 1000 Genomes Project 30x 0.00156; gnomAD exomes 0.00126 and 0.00238; 1000 Genomes Project 0.00140; gnomAD 0.00167 and 0.00179; TOPMed 0.00183; ExAC 0.00108; ESP Exome Variant Server 0.00131.
gnomAD v4.1: 3,714 of 1,612,088 alleles (0.23%); highest among the groups gnomAD compares: Non-Finnish European, 0.29%; 10 homozygotes.

Submissions (3):

Labcorp Genetics (formerly Invitae), Labcorp
Classification: Benign. Last evaluated: 2019-12-31. Review status: criteria provided, single submitter. Criteria: Invitae Variant Classification Sherloc (09022015). Collection method: clinical testing. Allele origin: germline.

Illumina Laboratory Services, Illumina
Classification: Benign for Congenital fibrosis of extraocular muscles type 1. Last evaluated: 2018-01-13. Review status: criteria provided, single submitter. Criteria: ICSL Variant Classification Criteria 13 December 2019. Collection method: clinical testing. Allele origin: germline.
Comment: This variant was observed in the ICSL laboratory as part of a predisposition screen in an ostensibly healthy population. It had not been previously curated by ICSL or reported in the Human Gene Mutation Database (HGMD: prior to June 1st, 2018), and was therefore a candidate for classification through an automated scoring system. Utilizing variant allele frequency, disease prevalence and penetrance estimates, and inheritance mode, an automated score was calculated to assess if this variant is too frequent to cause the disease. Based on the score and internal cut-off values, a variant classified as benign is not then subjected to further curation. The score for this variant resulted in a classification of benign for this disease.

PreventionGenetics, part of Exact Sciences
Classification: Likely benign for KIF21A-related condition. Last evaluated: 2019-05-03. Review status: no assertion criteria provided. Collection method: clinical testing. Allele origin: germline. Not counted in ClinVar's aggregate classification.
Comment: This variant is classified as likely benign based on ACMG/AMP sequence variant interpretation guidelines (Richards et al. 2015 PMID: 25741868, with internal and published modifications).

NM_001173464.2(KIF21A):c.3332T>C (p.Val1111Ala)

Gene: KIF21A (kinesin family member 21A; minus strand). Cytogenetic location: 12q12.
Variant type: single nucleotide variant.
Coding change: c.3332T>C on transcript NM_001173464.2 (MANE Select); coding-DNA position 3332, T replaced by C.
Protein change: p.Val1111Ala; replaces valine 1111 with alanine.
Molecular consequence: missense variant. On other transcripts: intron variant (1).
Genome position (GRCh38, 1-based): chr12:39,330,250, A>G on the plus strand (T>C on the coding strand, the complement: KIF21A is on the minus strand). VCF-style: chr12-39330250-A-G. GRCh37 (hg19) VCF-style: chr12-39724052-A-G.
Other names: c.3224T>C, p.Val1075Ala (NM_001173465.2); c.3293T>C, p.Val1098Ala (NM_017641.4); c.3280+496T>C (NM_001173463.2); c.3332T>C (NM_001173464.1); short protein forms V1098A, V1111A, V1075A.
Identifiers: ClinVar variation 308560 (VCV000308560.11), dbSNP rs150294289, ClinGen allele CA6510558.
Genomic context (GRCh38, chr12:39,330,250, plus strand): 5'-CAATTAGTAATTCATGCAGCTGTAGGATACACAGAAAGCTAAACATACTTACCTAATGGT[A>G]CGCTATCTAGATCTGTGTAAATAACAGCAAAAAGGAAACAAAAAGCAATACTCCAATCAA-3'
Protein context (NP_001166935.1, residues 1101-1121): LGHALQDLDS[Val1111Ala]PLENVEDSTD